The following is an entry in ClinVar:

ClinVar aggregate classification (germline): Pathogenic. Review status: criteria provided, multiple submitters, no conflicts (2 of 4 stars). 8 submissions from 8 submitters: Pathogenic (6). 2 of the submissions do not count toward it. Last evaluated 2025-11-10.

Conditions:
EVC2-related disorder. Also called: EVC2-related condition.
Ellis-van Creveld syndrome (EVC). Also called: MESOECTODERMAL DYSPLASIA; Chondroectodermal dysplasia. Identifiers: Orphanet 289, MedGen C0013903, MONDO:0009162, OMIM 225500.
Curry-Hall syndrome (WAD). Also called: WEYERS ACRODENTAL DYSOSTOSIS. Identifiers: Orphanet 952, MedGen C0457013, MONDO:0008673, OMIM 193530.
Jeune thoracic dystrophy. Also called: Jeune syndrome; Short-rib thoracic dysplasia; Infantile thoracic dystrophy; Thoracic pelvic phalangeal dystrophy; Jeune's syndrome; Chondroectodermal dysplasia-like syndrome. Identifiers: Orphanet 474, MedGen C0265275, MONDO:0018770.

Submissions (8):

Labcorp Genetics (formerly Invitae), Labcorp
Classification: Pathogenic for Curry-Hall syndrome; Ellis-van Creveld syndrome. Last evaluated: 2025-11-10. Review status: criteria provided, single submitter. Criteria: Invitae Variant Classification Sherloc (09022015). Collection method: clinical testing. Allele origin: germline.
Comment: This sequence change creates a premature translational stop signal (p.Gly1136Argfs*6) in the EVC2 gene. It is expected to result in an absent or disrupted protein product. Loss-of-function variants in EVC2 are known to be pathogenic (PMID: 17024374, 19810119, 19876929). This variant is present in population databases (rs750396637, gnomAD 0.01%). This premature translational stop signal has been observed in individual(s) with clinical features of autosomal recessive Ellis-van Creveld syndrome (PMID: 19810119, 29068549). In at least one individual the data is consistent with being in trans (on the opposite chromosome) from a pathogenic variant. ClinVar contains an entry for this variant (Variation ID: 195541). For these reasons, this variant has been classified as Pathogenic.

PreventionGenetics, part of Exact Sciences
Classification: Pathogenic for EVC2-related condition. Last evaluated: 2025-10-22. Review status: criteria provided, single submitter. Criteria: ACMG Guidelines, 2015. Collection method: clinical testing. Allele origin: germline.
Comment: The EVC2 c.3405_3411del7 variant is predicted to result in a frameshift and premature protein termination (p.Gly1136Argfs*6). This variant has been reported in the compound heterozygous state in an individual with Ellis-van Creveld syndrome (Valencia et al. 2009. PubMed ID: 19810119) and in the compound heterozygous state in an individual with asphixiating thoracic dystrophy (Supplemental Table S2, Zhang et al. 2017. PubMed ID: 29068549). This variant is reported in 0.012% of alleles in individuals of African descent in gnomAD. Frameshift variants in EVC2 are expected to be pathogenic. This variant is interpreted as pathogenic.

ARUP Laboratories, Molecular Genetics and Genomics, ARUP Laboratories
Classification: Pathogenic. Last evaluated: 2025-05-15. Review status: criteria provided, single submitter. Criteria: ARUP Molecular Germline Variant Investigation Process 2024. Collection method: clinical testing. Allele origin: germline.
Comment: The EVC2 c.3405_3411del; p.Gly1136ArgfsTer6 variant (rs750396637, ClinVar Variation ID: 195541) is reported in the literature in the compound heterozygous state in three individuals affected with recessive skeletal ciliopathies (Aubert-Mucca 2023, Valencia 2009, Zhang 2018). This variant is only observed on four alleles in the Genome Aggregation Database (v2.1.1), indicating it is not a common polymorphism. This variant causes a frameshift by deleting seven nucleotides, so it is predicted to result in a truncated protein or mRNA subject to nonsense-mediated decay. Based on available information, this variant is considered to be pathogenic. References: Aubert-Mucca M et al. Ellis-Van Creveld Syndrome: Clinical and Molecular Analysis of 50 Individuals. J Med Genet. 2023 Apr. PMID: 35927022. Valencia M et al. Widening the mutation spectrum of EVC and EVC2: ectopic expression of Weyer variants in NIH 3T3 fibroblasts disrupts Hedgehog signaling. Hum Mutat. 2009 Dec. PMID: 19810119. Zhang W et al. Expanding the genetic architecture and phenotypic spectrum in the skeletal ciliopathies. Hum Mutat. 2018 Jan. PMID: 29068549.

GeneDx
Classification: Pathogenic. Last evaluated: 2024-07-31. Review status: criteria provided, single submitter. Criteria: GeneDx Variant Classification Process June 2021. Collection method: clinical testing. Allele origin: germline. Affected: yes.
Comment: Identified in a patient with Ellis-van Creveld syndrome in published literature (PMID: 19810119); Frameshift variant predicted to result in protein truncation or nonsense mediated decay in a gene for which loss-of-function is a known mechanism of disease; This variant is associated with the following publications: (PMID: 29068549, 19810119)

Fulgent Genetics
Classification: Pathogenic for Curry-Hall syndrome; Ellis-van Creveld syndrome. Last evaluated: 2024-03-12. Review status: criteria provided, single submitter. Criteria: ACMG Guidelines, 2015. Collection method: clinical testing. Allele origin: germline.

Eurofins Ntd Llc (ga)
Classification: Pathogenic. Last evaluated: 2018-07-03. Review status: criteria provided, single submitter. Criteria: EGL ClinVar v180209 classification definitions. Collection method: clinical testing. Allele origin: germline. Observed: 2 variant alleles, 2 heterozygotes.

Dan Cohn Lab, University Of California Los Angeles
Classification: Pathogenic for Asphyxiating thoracic dystrophy. Last evaluated: 2017-06-01. Review status: no assertion criteria provided. Collection method: research. Allele origin: paternal. Affected: yes. Not counted in ClinVar's aggregate classification.

University of Washington Center for Mendelian Genomics, University of Washington
Classification: Likely pathogenic for asphyxiating thoracic dystrophy. Review status: no assertion criteria provided. Collection method: research. Allele origin: inherited. Affected: yes. Not counted in ClinVar's aggregate classification.

Literature cited by the submitters: PubMed 17024374 (cited by Labcorp Genetics (formerly Invitae), Labcorp); PubMed 19810119 (cited by Labcorp Genetics (formerly Invitae), Labcorp and Eurofins Ntd Llc (ga)); PubMed 19876929 (cited by Labcorp Genetics (formerly Invitae), Labcorp); PubMed 29068549 (cited by 3 submitters).

NM_147127.5(EVC2):c.3405_3411del (p.Gly1136fs)

Gene: EVC2 (EvC ciliary complex subunit 2; minus strand). Cytogenetic location: 4p16.2.
Variant type: Deletion.
Coding change: c.3405_3411del on transcript NM_147127.5 (MANE Select); coding-DNA positions 3405 to 3411, 7 bases deleted (CGGGGCC; older notation c.3405_3411delCGGGGCC).
Protein change: p.Gly1136fs; shifts the reading frame from glycine 1136.
Molecular consequence: frameshift variant.
Genome position (GRCh38, 1-based): chr4:5,568,590-5,568,596, GGCCCCG deleted on the plus strand (CGGGGCC on the coding strand, the reverse complement: EVC2 is on the minus strand); deleting any 7 consecutive bases within chr4:5,568,590-5,568,599 gives the same sequence; the c. name uses the placement nearest the transcript's 3' end. VCF-style (leftmost placement, unchanged base first): chr4-5568589-TGGCCCCG-T. GRCh37 (hg19) VCF-style: chr4-5570316-TGGCCCCG-T.
Other names: c.3405_3411del (NM_147127.4); c.3165_3171del, p.Gly1056fs (NM_001166136.2); c.3405_3411del7 (NM_147127.4); short protein forms G1136fs, G1056fs.
Identifiers: ClinVar variation 195541 (VCV000195541.21), dbSNP rs750396637, ClinGen allele CA201819.
Genomic context (GRCh38, chr4:5,568,589, plus strand): 5'-GGGCCAGCAGCTGAGGCTGTGAGGCTGTGGGCAGTACCACACTCAGGAGCCGGCGAAGCG[TGGCCCCG>T]GGCACCATGGCCATCCTCGCCAGGTACGATGCCAGTCTCAGCTCCTACAGGAAACAACAG-3'